The following is an entry in ClinVar:

NM_007214.5(SEC63):c.1503G>C (p.Gln501His)

Gene: SEC63 (SEC63 protein translocation regulator; minus strand). Cytogenetic location: 6q21.
Variant type: single nucleotide variant.
Coding change: c.1503G>C on transcript NM_007214.5 (MANE Select); coding-DNA position 1503, G replaced by C.
Protein change: p.Gln501His; replaces glutamine 501 with histidine.
Molecular consequence: missense variant.
Genome position (GRCh38, 1-based): chr6:107,893,653, C>G on the plus strand (G>C on the coding strand, the complement: SEC63 is on the minus strand). VCF-style: chr6-107893653-C-G. GRCh37 (hg19) VCF-style: chr6-108214857-C-G.
Other names: short protein forms Q501H.
Identifiers: ClinVar variation 3691348 (VCV003691348.2).

ClinVar aggregate classification (germline): Uncertain significance (1 of 4 stars; one submission).

gnomAD v4.1: 4 of 1,613,750 alleles (0.00025%); highest among the groups gnomAD compares: South Asian, 0.0044%; no homozygotes.

Submission:

Labcorp Genetics (formerly Invitae), Labcorp
Classification: Uncertain significance. Last evaluated: 2024-02-14. Review status: criteria provided, single submitter. Criteria: Invitae Variant Classification Sherloc (09022015). Collection method: clinical testing. Allele origin: germline.
Comment: This sequence change replaces glutamine, which is neutral and polar, with histidine, which is basic and polar, at codon 501 of the SEC63 protein (p.Gln501His). This variant is not present in population databases (gnomAD no frequency). This variant has not been reported in the literature in individuals affected with SEC63-related conditions. An algorithm developed to predict the effect of missense changes on protein structure and function (PolyPhen-2) suggests that this variant is likely to be disruptive. In summary, the available evidence is currently insufficient to determine the role of this variant in disease. Therefore, it has been classified as a Variant of Uncertain Significance.